The following is an entry in ClinVar:

ClinVar aggregate classification (germline): Uncertain significance. Review status: criteria provided, multiple submitters, no conflicts (2 of 4 stars). 2 submissions from 2 submitters: Uncertain significance (2). Last evaluated 2025-07-20.

Conditions:
Inborn genetic diseases. Identifiers: MedGen C0950123, MeSH D030342.

Allele frequency attached by ClinVar (database versions not stated): gnomAD exomes 0.00001; ExAC 0.00002; gnomAD 0.00003 and 0.00004; ESP Exome Variant Server 0.00008; TOPMed 0.00008.
gnomAD v4.1: 27 of 1,600,074 alleles (0.0017%); highest among the groups gnomAD compares: Middle Eastern, 0.017%; no homozygotes.

Submissions (2):

Labcorp Genetics (formerly Invitae), Labcorp
Classification: Uncertain significance. Last evaluated: 2025-07-20. Review status: criteria provided, single submitter. Criteria: Invitae Variant Classification Sherloc (09022015). Collection method: clinical testing. Allele origin: germline.
Comment: This sequence change replaces proline, which is neutral and non-polar, with threonine, which is neutral and polar, at codon 162 of the BCL11B protein (p.Pro162Thr). This variant is present in population databases (rs370751575, gnomAD 0.003%). This variant has not been reported in the literature in individuals affected with BCL11B-related conditions. ClinVar contains an entry for this variant (Variation ID: 1413369). Invitae Evidence Modeling of protein sequence and biophysical properties (such as structural, functional, and spatial information, amino acid conservation, physicochemical variation, residue mobility, and thermodynamic stability) indicates that this missense variant is not expected to disrupt BCL11B protein function with a negative predictive value of 95%. In summary, the available evidence is currently insufficient to determine the role of this variant in disease. Therefore, it has been classified as a Variant of Uncertain Significance.

Ambry Genetics
Classification: Uncertain significance for Inborn genetic diseases. Last evaluated: 2025-02-13. Review status: criteria provided, single submitter. Criteria: Ambry Variant Classification Scheme 2023. Collection method: clinical testing. Allele origin: germline.

NM_138576.4(BCL11B):c.484C>A (p.Pro162Thr)

Gene: BCL11B (BCL11 transcription factor B; minus strand). Cytogenetic location: 14q32.2.
Variant type: single nucleotide variant.
Coding change: c.484C>A on transcript NM_138576.4 (MANE Select); coding-DNA position 484, C replaced by A.
Protein change: p.Pro162Thr; replaces proline 162 with threonine.
Molecular consequence: missense variant. On other transcripts: intron variant (2).
Genome position (GRCh38, 1-based): chr14:99,231,501, G>T on the plus strand (C>A on the coding strand, the complement: BCL11B is on the minus strand). VCF-style: chr14-99231501-G-T. GRCh37 (hg19) VCF-style: chr14-99697838-G-T.
Other names: c.484C>A (NM_138576.2); c.481C>A, p.Pro161Thr (NM_001282237.2); c.424+25970C>A (NM_001282238.2); c.427+25970C>A (NM_022898.3); short protein forms P161T, P162T.
Identifiers: ClinVar variation 1413369 (VCV001413369.7), dbSNP rs370751575, ClinGen allele CA7339879.